The following is an entry in ClinVar:

NM_001375524.1(TRRAP):c.2543C>T (p.Thr848Met)

Gene: TRRAP (transformation/transcription domain associated protein; plus strand). Cytogenetic location: 7q22.1.
Variant type: single nucleotide variant.
Coding change: c.2543C>T on transcript NM_001375524.1 (MANE Select); coding-DNA position 2543, C replaced by T.
Protein change: p.Thr848Met; replaces threonine 848 with methionine.
Molecular consequence: missense variant.
Genome position (GRCh38, 1-based): chr7:98,917,600, C>T. VCF-style: chr7-98917600-C-T. GRCh37 (hg19) VCF-style: chr7-98515223-C-T.
Other names: c.2543C>T, p.Thr848Met (NM_001244580.2, NM_003496.4); short protein forms T848M.
Identifiers: ClinVar variation 4070710 (VCV004070710.1).
Genomic context (GRCh38, chr7:98,917,600, plus strand): 5'-TGGATCCCTTGGTGTCTGCACTCAATGGGTCTCAGACATTGGTCAGCCAAGGCCTCAGGA[C>T]GCTGGAGCTGTGTGTGGACAACCTGCAGCCCGACTTCCTCTACGACCACATCCAGCCGGT-3'
Protein context (NP_001362453.1, residues 838-858): SQTLVSQGLR[Thr848Met]LELCVDNLQP

ClinVar aggregate classification (germline): Uncertain significance (1 of 4 stars; one submission).

Submission:

GeneDx
Classification: Uncertain significance. Last evaluated: 2025-01-14. Review status: criteria provided, single submitter. Criteria: GeneDx Variant Classification Process June 2021. Collection method: clinical testing. Allele origin: germline. Affected: yes.
Comment: Not observed at significant frequency in large population cohorts (gnomAD); In silico analysis supports that this missense variant has a deleterious effect on protein structure/function; Has not been previously published as pathogenic or benign to our knowledge